The following is an entry in ClinVar:

ClinVar aggregate classification (germline): Uncertain significance (1 of 4 stars; one submission).

Submission:

Ambry Genetics
Classification: Uncertain significance. Last evaluated: 2025-09-21. Review status: criteria provided, single submitter. Criteria: Ambry Variant Classification Scheme 2023. Collection method: clinical testing. Allele origin: germline.
Comment: The p.A892T variant (also known as c.2674G>A), located in coding exon 24 of the KIF1B gene, results from a G to A substitution at nucleotide position 2674. The alanine at codon 892 is replaced by threonine, an amino acid with similar properties. This amino acid position is conserved. In addition, the in silico prediction for this alteration is inconclusive. Based on the available evidence, the clinical significance of this variant remains unclear.

NM_001365951.3(KIF1B):c.2812G>A (p.Ala938Thr)

Genes: KIF1B (kinesin family member 1B; plus strand), LOC126805614 (BRD4-independent group 4 enhancer GRCh37_chr1:10385546-10386745; plus strand). Cytogenetic location: 1p36.22.
Variant type: single nucleotide variant.
Coding change: c.2812G>A on transcript NM_001365951.3 (MANE Select); coding-DNA position 2812, G replaced by A.
Protein change: p.Ala938Thr; replaces alanine 938 with threonine.
Molecular consequence: missense variant.
Genome position (GRCh38, 1-based): chr1:10,326,247, G>A. VCF-style: chr1-10326247-G-A. GRCh37 (hg19) VCF-style: chr1-10386305-G-A.
Other names: c.2812G>A, p.Ala938Thr (NM_001365952.1); c.2674G>A, p.Ala892Thr (NM_015074.3); short protein forms A938T, A892T.
Identifiers: ClinVar variation 4543600 (VCV004543600.1).